The following is an entry in ClinVar:

ClinVar aggregate classification (germline): Likely benign. Review status: criteria provided, multiple submitters, no conflicts (2 of 4 stars). 2 submissions from 2 submitters: Likely benign (2). Last evaluated 2018-01-13.

Conditions:
Autosomal recessive nonsyndromic hearing loss 8 (DFNB8). Also called: Deafness, autosomal recessive 10; NEUROSENSORY NONSYNDROMIC RECESSIVE DEAFNESS 8. Identifiers: Orphanet 90636, MedGen C1832827, MONDO:0010987, OMIM 601072.

Allele frequency attached by ClinVar (database versions not stated): 1000 Genomes Project 0.05331; 1000 Genomes Project 30x 0.05559; TOPMed 0.05746; ExAC 0.00986; gnomAD exomes 0.01817 and 0.01664; gnomAD 0.05821 and 0.05454.
gnomAD v4.1: 13,424 of 457,720 alleles (2.9%); highest among the groups gnomAD compares: African/African-American, 15%; 585 homozygotes.

Submissions (2):

Illumina Laboratory Services, Illumina
Classification: Likely benign for Autosomal recessive nonsyndromic hearing loss 8. Last evaluated: 2018-01-13. Review status: criteria provided, single submitter. Criteria: ICSL Variant Classification Criteria 13 December 2019. Collection method: clinical testing. Allele origin: germline.
Comment: This variant was observed in the ICSL laboratory as part of a predisposition screen in an ostensibly healthy population. It had not been previously curated by ICSL or reported in the Human Gene Mutation Database (HGMD: prior to June 1st, 2018), and was therefore a candidate for classification through an automated scoring system. Utilizing variant allele frequency, disease prevalence and penetrance estimates, and inheritance mode, an automated score was calculated to assess if this variant is too frequent to cause the disease. Based on the score and internal cut-off values, a variant classified as likely benign is not then subjected to further curation. The score for this variant resulted in a classification of likely benign for this disease.

Breakthrough Genomics
Classification: Likely benign. Review status: criteria provided, single submitter. Criteria: ACMG Guidelines, 2015. Collection method: not provided. Allele origin: germline. Inheritance: Autosomal recessive inheritance. Affected: yes.

NM_001256317.3(TMPRSS3):c.*409C>T

Gene: TMPRSS3 (transmembrane serine protease 3; minus strand). Cytogenetic location: 21q22.3.
Variant type: single nucleotide variant.
Coding change: c.*409C>T on transcript NM_001256317.3 (MANE Select); 409 bases downstream of the stop codon, C replaced by T.
Molecular consequence: 3 prime UTR variant.
Genome position (GRCh38, 1-based): chr21:42,372,353, G>A on the plus strand (C>T on the coding strand, the complement: TMPRSS3 is on the minus strand). VCF-style: chr21-42372353-G-A. GRCh37 (hg19) VCF-style: chr21-43792462-G-A.
Other names: c.*409C>T (NM_024022.4, NM_032404.3).
Identifiers: ClinVar variation 340047 (VCV000340047.6), dbSNP rs55954914, ClinGen allele CA10042152.
Genomic context (GRCh38, chr21:42,372,353, plus strand): 5'-CCCATGCCTGTAATCCCAGCACTGTGGGAGGCTGAAGCAGGCACATCATTTGAGGTCAGG[G>A]GTTTGAGAGCAGCCTGGCCAACATGGTGAAACCCTGTCTCTACTAAAAATACAAAAATTA-3'